The following is an entry in ClinVar:

NM_004287.5(GOSR2):c.-1C>T

Genes: GOSR2 (golgi SNAP receptor complex member 2; plus strand), LRRC37A2 (leucine rich repeat containing 37 member A2). Cytogenetic location: 17q21.32.
Variant type: single nucleotide variant.
Coding change: c.-1C>T on transcript NM_004287.5 (MANE Select); 1 bases upstream of the start codon, C replaced by T.
Molecular consequence: 5 prime UTR variant. On other transcripts: non-coding transcript variant (3).
Genome position (GRCh38, 1-based): chr17:46,923,192, C>T. VCF-style: chr17-46923192-C-T. GRCh37 (hg19) VCF-style: chr17-45000558-C-T.
Other names: c.-1C>T (NM_001353114.2, NM_001353115.2, NM_001353116.2 and 5 more transcripts); c.-466C>T (NM_001363851.2); c.-103C>T (NM_001321134.2).
Identifiers: ClinVar variation 205632 (VCV000205632.8), dbSNP rs574045746, ClinGen allele CA314906.

ClinVar aggregate classification (germline): Conflicting classifications of pathogenicity. Review status: criteria provided, conflicting classifications (1 of 4 stars). 4 submissions from 4 submitters: Uncertain significance (3); Likely benign (1). Last evaluated 2026-04-03.

Conditions:
GOSR2-related disorder. Also called: GOSR2-related disorders; GOSR2-related condition.
Inborn genetic diseases. Identifiers: MedGen C0950123, MeSH D030342.

Allele frequency attached by ClinVar (database versions not stated): TOPMed 0.00008; gnomAD 0.00013 and 0.00020; 1000 Genomes Project 30x 0.00031; gnomAD exomes 0.00044; ExAC 0.00101.
gnomAD v4.1: 420 of 1,545,088 alleles (0.027%); highest among the groups gnomAD compares: South Asian, 0.18%; 4 homozygotes.

Submissions (4):

PreventionGenetics, part of Exact Sciences
Classification: Likely benign for GOSR2-related condition. Last evaluated: 2026-04-03. Review status: criteria provided, single submitter. Criteria: ACMG Guidelines, 2015. Collection method: clinical testing. Allele origin: germline.
Comment: This variant is classified as likely benign based on ACMG/AMP sequence variant interpretation guidelines (Richards et al. 2015 PMID: 25741868, with internal and published modifications).

Blueprint Genetics
Classification: Uncertain significance. Last evaluated: 2024-11-21. Review status: criteria provided, single submitter. Criteria: ACMG Guidelines, 2015. Collection method: clinical testing. Allele origin: germline.

GeneDx
Classification: Uncertain significance. Last evaluated: 2020-10-27. Review status: criteria provided, single submitter. Criteria: GeneDx Variant Classification Process June 2021. Collection method: clinical testing. Allele origin: germline. Affected: yes.
Comment: Nucleotide substitution has no predicted effect on splicing and is not conserved across species; Has not been previously published as pathogenic or benign to our knowledge

Ambry Genetics
Classification: Uncertain significance for Inborn genetic diseases. Last evaluated: 2017-11-29. Review status: criteria provided, single submitter. Criteria: Ambry Variant Classification Scheme 2023. Collection method: clinical testing. Allele origin: germline.
Comment: The c.-1C>T variant is located in the 5' untranslated region (5&rsquo; UTR) of the GOSR2 gene. This variant results from a C to T substitution 1 bases upstream from the first translated codon. This nucleotide position is not well conserved in available vertebrate species. Since supporting evidence is limited at this time, the clinical significance of this alteration remains unclear.